The following is an entry in ClinVar:

NM_002283.4(KRT85):c.37G>C (p.Gly13Arg)

Gene: KRT85 (keratin 85; minus strand). Cytogenetic location: 12q13.13.
Variant type: single nucleotide variant.
Coding change: c.37G>C on transcript NM_002283.4 (MANE Select); coding-DNA position 37, G replaced by C.
Protein change: p.Gly13Arg; replaces glycine 13 with arginine.
Molecular consequence: missense variant.
Genome position (GRCh38, 1-based): chr12:52,367,369, C>G on the plus strand (G>C on the coding strand, the complement: KRT85 is on the minus strand). VCF-style: chr12-52367369-C-G. GRCh37 (hg19) VCF-style: chr12-52761153-C-G.
Other names: short protein forms G13R.
Identifiers: ClinVar variation 599462 (VCV000599462.11), dbSNP rs140664015, ClinGen allele CA6578409.

ClinVar aggregate classification (germline): Benign. Review status: criteria provided, multiple submitters, no conflicts (2 of 4 stars). 2 submissions from 2 submitters: Benign (2). Last evaluated 2025-12-01.

Allele frequency attached by ClinVar (database versions not stated): TOPMed 0.00015; ESP Exome Variant Server 0.00031; gnomAD 0.00032; 1000 Genomes Project 30x 0.00047; 1000 Genomes Project 0.00060; ExAC 0.00078.
gnomAD v4.1: 727 of 1,614,098 alleles (0.045%); highest among the groups gnomAD compares: South Asian, 0.37%; 8 homozygotes.

Submissions (2):

Labcorp Genetics (formerly Invitae), Labcorp
Classification: Benign. Last evaluated: 2025-12-01. Review status: criteria provided, single submitter. Criteria: Invitae Variant Classification Sherloc (09022015). Collection method: clinical testing. Allele origin: germline.

Institute for Genomic Medicine (IGM) Clinical Laboratory, Nationwide Children's Hospital
Classification: Benign. Last evaluated: 2017-09-13. Review status: criteria provided, single submitter. Criteria: ACMG Guidelines, 2015. Collection method: clinical testing. Allele origin: germline.
Comment: BS1, BS2, BP4; This alteration has an allele frequency that is greater than expected for the associated disease, was seen in a healthy adult where full penetrance of the disorder is expected at an early age, and is predicted to be tolerated by multiple functional prediction tools.